The following is an entry in ClinVar:

NM_001458.5(FLNC):c.4441G>A (p.Val1481Met)

Gene: FLNC (filamin C; plus strand). Cytogenetic location: 7q32.1.
Variant type: single nucleotide variant.
Coding change: c.4441G>A on transcript NM_001458.5 (MANE Select); coding-DNA position 4441, G replaced by A.
Protein change: p.Val1481Met; replaces valine 1481 with methionine.
Molecular consequence: missense variant.
Genome position (GRCh38, 1-based): chr7:128,847,849, G>A. VCF-style: chr7-128847849-G-A. GRCh37 (hg19) VCF-style: chr7-128487903-G-A.
Other names: c.4441G>A, p.Val1481Met (NM_001127487.2); short protein forms V1481M.
Identifiers: ClinVar variation 1740631 (VCV001740631.2), dbSNP rs2536646116, ClinGen allele CA369201659.

ClinVar aggregate classification (germline): Uncertain significance (1 of 4 stars; one submission).

Conditions:
Cardiovascular phenotype. Identifiers: MedGen CN230736.

Submission:

Ambry Genetics
Classification: Uncertain significance for Cardiovascular phenotype. Last evaluated: 2022-05-02. Review status: criteria provided, single submitter. Criteria: Ambry Variant Classification Scheme 2023. Collection method: clinical testing. Allele origin: germline.
Comment: The p.V1481M variant (also known as c.4441G>A), located in coding exon 25 of the FLNC gene, results from a G to A substitution at nucleotide position 4441. The valine at codon 1481 is replaced by methionine, an amino acid with highly similar properties. This amino acid position is conserved. In addition, this alteration is predicted to be tolerated by in silico analysis. Since supporting evidence is limited at this time, the clinical significance of this alteration remains unclear.